The following is an entry in ClinVar:

NM_025114.4(CEP290):c.965A>G (p.Asp322Gly)

Gene: CEP290 (centrosomal protein 290; minus strand). Cytogenetic location: 12q21.32.
Variant type: single nucleotide variant.
Coding change: c.965A>G on transcript NM_025114.4 (MANE Select); coding-DNA position 965, A replaced by G.
Protein change: p.Asp322Gly; replaces aspartic acid 322 with glycine.
Molecular consequence: missense variant.
Genome position (GRCh38, 1-based): chr12:88,126,416, T>C on the plus strand (A>G on the coding strand, the complement: CEP290 is on the minus strand). VCF-style: chr12-88126416-T-C. GRCh37 (hg19) VCF-style: chr12-88520193-T-C.
Other names: short protein forms D322G.
Identifiers: ClinVar variation 4994299 (VCV004994299.1).

ClinVar aggregate classification (germline): Uncertain significance (1 of 4 stars; one submission).

Conditions:
CEP290-related disorder. Also called: CEP290-related condition; CEP290-related disorders. Identifiers: MedGen CN239314.

Submission:

PreventionGenetics, part of Exact Sciences
Classification: Uncertain significance for CEP290-related condition. Last evaluated: 2025-12-03. Review status: criteria provided, single submitter. Criteria: ACMG Guidelines, 2015. Collection method: clinical testing. Allele origin: germline.
Comment: The CEP290 c.965A>G variant is predicted to result in the amino acid substitution p.Asp322Gly. To our knowledge, this variant has not been reported in the literature or in a large population database (gnomAD), indicating this variant is rare. At this time, the clinical significance of this variant is uncertain due to the absence of conclusive functional and genetic evidence.